The following is an entry in ClinVar:

ClinVar aggregate classification (germline): Pathogenic (1 of 4 stars; one submission).

Submission:

Labcorp Genetics (formerly Invitae), Labcorp
Classification: Pathogenic. Last evaluated: 2022-01-05. Review status: criteria provided, single submitter. Criteria: Invitae Variant Classification Sherloc (09022015). Collection method: clinical testing. Allele origin: germline.
Comment: For these reasons, this variant has been classified as Pathogenic. This variant has not been reported in the literature in individuals affected with LAMA3-related conditions. This variant is a gross deletion of the genomic region encompassing exon(s) 14-15 of the LAMA3 gene. This deletion is out-of-frame, and is expected to create a premature termination codon and result in an absent or disrupted protein product. Loss-of-function variants in LAMA3 are known to be pathogenic (PMID: 10366601, 11810295, 12915477, 16473856, 17362460, 22434185, 23869449, 27827380, 28087116).

Literature cited by the submitters: PubMed 10366601; PubMed 11810295; PubMed 12915477; PubMed 16473856; PubMed 17362460; PubMed 22434185; PubMed 23869449; PubMed 27827380; PubMed 28087116.

NC_000018.9:g.(?_21484507)_(21485598_?)del

Gene: LAMA3 (laminin subunit alpha 3; plus strand). Cytogenetic location: 18q11.2.
Variant type: Deletion.
Identifiers: ClinVar variation 1074803 (VCV001074803.6).